The following is an entry in ClinVar:

NM_001291088.2(WDR87):c.7826A>T (p.His2609Leu)

Gene: WDR87 (WD repeat domain 87; minus strand). Cytogenetic location: 19q13.13.
Variant type: single nucleotide variant.
Coding change: c.7826A>T on transcript NM_001291088.2 (MANE Select); coding-DNA position 7826, A replaced by T.
Protein change: p.His2609Leu; replaces histidine 2609 with leucine.
Molecular consequence: missense variant.
Genome position (GRCh38, 1-based): chr19:37,885,845, T>A on the plus strand (A>T on the coding strand, the complement: WDR87 is on the minus strand). VCF-style: chr19-37885845-T-A. GRCh37 (hg19) VCF-style: chr19-38376485-T-A.
Other names: c.7709A>T, p.His2570Leu (NM_031951.5); short protein forms H2570L, H2609L.
Identifiers: ClinVar variation 677197 (VCV000677197.10), dbSNP rs10408510, ClinGen allele CA9408407.

ClinVar aggregate classification (germline): Benign. Review status: criteria provided, multiple submitters, no conflicts (2 of 4 stars). 3 submissions from 3 submitters: Benign (3). Last evaluated 2026-01-28.

Allele frequency attached by ClinVar (database versions not stated): ESP Exome Variant Server 0.80749; gnomAD 0.82434 and 0.82083; 1000 Genomes Project 30x 0.88460; TOPMed 0.83573; 1000 Genomes Project 0.88159; gnomAD exomes 0.81756; ExAC 0.83045.
gnomAD v4.1: 1,215,242 of 1,551,748 alleles (78%); highest among the groups gnomAD compares: African/African-American, 94%; 478,752 homozygotes.

Submissions (3):

Labcorp Genetics (formerly Invitae), Labcorp
Classification: Benign. Last evaluated: 2026-01-28. Review status: criteria provided, single submitter. Criteria: Invitae Variant Classification Sherloc (09022015). Collection method: clinical testing. Allele origin: germline.

GeneDx
Classification: Benign. Last evaluated: 2018-03-24. Review status: criteria provided, single submitter. Criteria: GeneDx Variant Classification (06012015). Collection method: clinical testing. Allele origin: germline. Affected: yes.
Comment: This variant is considered likely benign or benign based on one or more of the following criteria: it is a conservative change, it occurs at a poorly conserved position in the protein, it is predicted to be benign by multiple in silico algorithms, and/or has population frequency not consistent with disease.

Breakthrough Genomics
Classification: Benign. Review status: criteria provided, single submitter. Criteria: ACMG Guidelines, 2015. Collection method: not provided. Allele origin: germline. Inheritance: Unknown mechanism. Affected: yes.